The following is an entry in ClinVar:

NM_001394062.1(MACF1):c.4045C>A (p.Leu1349Met)

Gene: MACF1 (microtubule actin crosslinking factor 1; plus strand). Cytogenetic location: 1p34.3.
Variant type: single nucleotide variant.
Coding change: c.4045C>A on transcript NM_001394062.1 (MANE Select); coding-DNA position 4045, C replaced by A.
Protein change: p.Leu1349Met; replaces leucine 1349 with methionine.
Molecular consequence: missense variant.
Genome position (GRCh38, 1-based): chr1:39,322,623, C>A. VCF-style: chr1-39322623-C-A. GRCh37 (hg19) VCF-style: chr1-39788295-C-A.
Other names: c.4060C>A (NM_012090.4); c.4060C>A, p.Leu1354Met (NM_012090.5); short protein forms L1354M, L1349M.
Identifiers: ClinVar variation 983273 (VCV000983273.37), dbSNP rs141025026, ClinGen allele CA780178.
Genomic context (GRCh38, chr1:39,322,623, plus strand): 5'-ATTATAAAACCCTGAGTAACTGTAGCGAAATTCATCCTTTCCTAGGACTATGAATTGCAA[C>A]TGATGACATACAAGGCCTTTGTGGAATCGCAGCAGAAATCCCCTGGCAAGCGCCGTCGCA-3'
Protein context (NP_001380991.1, residues 1339-1359): STIVKDYELQ[Leu1349Met]MTYKAFVESQ

ClinVar aggregate classification (germline): Conflicting classifications of pathogenicity. Review status: criteria provided, conflicting classifications (1 of 4 stars). 8 submissions from 8 submitters: Uncertain significance (1); Benign (1); Likely benign (4). 2 of the submissions do not count toward it. Last evaluated 2026-06-01.

Conditions:
Spectraplakinopathy type I.
MACF1-related disorder. Also called: MACF1-related condition.
Inborn genetic diseases. Identifiers: MedGen C0950123, MeSH D030342.

Allele frequency attached by ClinVar (database versions not stated): 1000 Genomes Project 30x 0.00016; 1000 Genomes Project 0.00020; gnomAD 0.00083 and 0.00088; ESP Exome Variant Server 0.00085; TOPMed 0.00100; ExAC 0.00110; gnomAD exomes 0.00111.
gnomAD v4.1: 1,786 of 1,613,984 alleles (0.11%); highest among the groups gnomAD compares: Middle Eastern, 0.31%; 2 homozygotes.

Submissions (8):

CeGaT Center for Human Genetics Tuebingen
Classification: Benign. Last evaluated: 2026-06-01. Review status: criteria provided, single submitter. Criteria: CeGaT Center For Human Genetics Tuebingen Variant Classification Criteria Version 2. Collection method: clinical testing. Allele origin: germline. Affected: yes. Observed: 8 variant alleles.
Comment: MACF1: BS1, BS2

Labcorp Genetics (formerly Invitae), Labcorp
Classification: Likely benign. Last evaluated: 2026-01-05. Review status: criteria provided, single submitter. Criteria: Invitae Variant Classification Sherloc (09022015). Collection method: clinical testing. Allele origin: germline.

PreventionGenetics, part of Exact Sciences
Classification: Likely benign for MACF1-related condition. Last evaluated: 2025-03-14. Review status: criteria provided, single submitter. Criteria: ACMG Guidelines, 2015. Collection method: clinical testing. Allele origin: germline.
Comment: This variant is classified as likely benign based on ACMG/AMP sequence variant interpretation guidelines (Richards et al. 2015 PMID: 25741868, with internal and published modifications).

Blueprint Genetics
Classification: Likely benign. Last evaluated: 2024-11-13. Review status: criteria provided, single submitter. Criteria: ACMG Guidelines, 2015. Collection method: clinical testing. Allele origin: germline.

Ambry Genetics
Classification: Likely benign for Inborn genetic diseases. Last evaluated: 2021-12-03. Review status: criteria provided, single submitter. Criteria: Ambry Variant Classification Scheme 2023. Collection method: clinical testing. Allele origin: germline.

Institute of Human Genetics, Cologne University
Classification: Uncertain significance for Spectraplakinopathy type I. Last evaluated: 2020-09-30. Review status: criteria provided, single submitter. Criteria: ACMG Guidelines, 2015. Collection method: research. Allele origin: paternal. Affected: yes.

Clinical Genetics DNA and cytogenetics Diagnostics Lab, Erasmus MC, Erasmus Medical Center
Classification: Likely benign. Review status: no assertion criteria provided. Collection method: clinical testing. Allele origin: germline. Affected: yes. Study: VKGL Data-share Consensus. Not counted in ClinVar's aggregate classification.

Laboratory of Diagnostic Genome Analysis, Leiden University Medical Center (LUMC)
Classification: Likely benign. Review status: no assertion criteria provided. Collection method: clinical testing. Allele origin: germline. Affected: yes. Study: VKGL Data-share Consensus. Not counted in ClinVar's aggregate classification.